The following is an entry in ClinVar:

ClinVar aggregate classification (germline): Benign/Likely benign. Review status: criteria provided, multiple submitters, no conflicts (2 of 4 stars). 2 submissions from 2 submitters: Benign (1); Likely benign (1). Last evaluated 2025-12-01.

Conditions:
Megaconial type congenital muscular dystrophy (MDCMC). Also called: CHKB-Related Muscle Diseases; MUSCULAR DYSTROPHY, CONGENITAL, WITH MITOCHONDRIAL STRUCTURAL ABNORMALITIES; CHKB-Related Muscular Dystrophy. Identifiers: Orphanet 280671, MedGen C1865233, MONDO:0011246, OMIM 602541.

Allele frequency attached by ClinVar (database versions not stated): gnomAD 0.00010.
gnomAD v4.1: 94 of 1,613,866 alleles (0.0058%); highest among the groups gnomAD compares: South Asian, 0.053%; 4 homozygotes.

Submissions (2):

Labcorp Genetics (formerly Invitae), Labcorp
Classification: Benign for Megaconial type congenital muscular dystrophy. Last evaluated: 2025-12-01. Review status: criteria provided, single submitter. Criteria: Invitae Variant Classification Sherloc (09022015). Collection method: clinical testing. Allele origin: germline.

GeneDx
Classification: Likely benign. Last evaluated: 2017-09-07. Review status: criteria provided, single submitter. Criteria: GeneDx Variant Classification (06012015). Collection method: clinical testing. Allele origin: germline. Affected: yes.
Comment: This variant is considered likely benign or benign based on one or more of the following criteria: it is a conservative change, it occurs at a poorly conserved position in the protein, it is predicted to be benign by multiple in silico algorithms, and/or has population frequency not consistent with disease.

NM_005198.5(CHKB):c.870C>T (p.His290=)

Genes: CHKB-CPT1B (CHKB-CPT1B readthrough (NMD candidate); minus strand), CHKB (choline kinase beta; minus strand). Cytogenetic location: 22q13.33.
Variant type: single nucleotide variant.
Coding change: c.870C>T on transcript NM_005198.5 (MANE Select); coding-DNA position 870, C replaced by T.
Protein change: p.His290=; no amino-acid change (histidine 290 retained).
Molecular consequence: synonymous variant. On other transcripts: non-coding transcript variant (1).
Genome position (GRCh38, 1-based): chr22:50,580,031, G>A on the plus strand (C>T on the coding strand, the complement: CHKB is on the minus strand). VCF-style: chr22-50580031-G-A. GRCh37 (hg19) VCF-style: chr22-51018460-G-A.
Identifiers: ClinVar variation 511629 (VCV000511629.9), dbSNP rs140020889, ClinGen allele CA10323605.